The following is an entry in ClinVar:

NM_001040142.2(SCN2A):c.4552A>G (p.Asn1518Asp)

Gene: SCN2A (sodium voltage-gated channel alpha subunit 2; plus strand). Cytogenetic location: 2q24.3.
Variant type: single nucleotide variant.
Coding change: c.4552A>G on transcript NM_001040142.2 (MANE Select); coding-DNA position 4552, A replaced by G.
Protein change: p.Asn1518Asp; replaces asparagine 1518 with aspartic acid.
Molecular consequence: missense variant.
Genome position (GRCh38, 1-based): chr2:165,386,746, A>G. VCF-style: chr2-165386746-A-G. GRCh37 (hg19) VCF-style: chr2-166243256-A-G.
Other names: c.4552A>G, p.Asn1518Asp (NM_001040143.2, NM_001371246.1, NM_001371247.1 and 1 more transcripts); short protein forms N1518D.
Identifiers: ClinVar variation 3897090 (VCV003897090.1).

ClinVar aggregate classification (germline): Uncertain significance (1 of 4 stars; one submission).

Submission:

GeneDx
Classification: Uncertain significance. Last evaluated: 2024-11-01. Review status: criteria provided, single submitter. Criteria: GeneDx Variant Classification Process June 2021. Collection method: clinical testing. Allele origin: germline. Affected: yes.
Comment: Not observed at significant frequency in large population cohorts (gnomAD); In silico analysis supports that this missense variant has a deleterious effect on protein structure/function; Has not been previously published as pathogenic or benign to our knowledge